The following is an entry in ClinVar:

NM_015102.5(NPHP4):c.1006G>C (p.Ala336Pro)

Gene: NPHP4 (nephrocystin 4; minus strand). Cytogenetic location: 1p36.31.
Variant type: single nucleotide variant.
Coding change: c.1006G>C on transcript NM_015102.5 (MANE Select); coding-DNA position 1006, G replaced by C.
Protein change: p.Ala336Pro; replaces alanine 336 with proline.
Molecular consequence: missense variant. On other transcripts: 5 prime UTR variant (2), non-coding transcript variant (1).
Genome position (GRCh38, 1-based): chr1:5,947,217, C>G on the plus strand (G>C on the coding strand, the complement: NPHP4 is on the minus strand). VCF-style: chr1-5947217-C-G. GRCh37 (hg19) VCF-style: chr1-6007277-C-G.
Other names: c.-361G>C (NM_001291593.2, NM_001291594.2); c.1006G>C (NM_015102.4); short protein forms A336P.
Identifiers: ClinVar variation 593988 (VCV000593988.12), dbSNP rs369951224, ClinGen allele CA554668.

ClinVar aggregate classification (germline): Conflicting classifications of pathogenicity. Review status: criteria provided, conflicting classifications (1 of 4 stars). 5 submissions from 5 submitters: Uncertain significance (3); Likely benign (2). Last evaluated 2026-05-03.

Conditions:
Nephronophthisis 4 (NPHP4). Also called: NEPHRONOPHTHISIS 4, JUVENILE. Identifiers: Orphanet 655, MedGen C1847013, MONDO:0011752, OMIM 606966.
Senior-Loken syndrome 4 (SLSN4). Identifiers: Orphanet 3156, MedGen C1846979, MONDO:0011756, OMIM 606996.
NPHP4-related disorder. Also called: NPHP4-related disorders; NPHP4-related condition. Identifiers: MedGen CN239384.
Nephronophthisis. Also called: Juvenile Nephronophthisis. Identifiers: Orphanet 655, MedGen C0687120, MONDO:0019005, HP:0000090.

Allele frequency attached by ClinVar (database versions not stated): 1000 Genomes Project below 0.00001; gnomAD 0.00001 and 0.00002; gnomAD exomes 0.00002 and 0.00012; TOPMed 0.00003; ExAC 0.00012.
gnomAD v4.1: 36 of 1,613,808 alleles (0.0022%); highest among the groups gnomAD compares: East Asian, 0.071%; no homozygotes.

Submissions (5):

PreventionGenetics, part of Exact Sciences
Classification: Likely benign for NPHP4-related condition. Last evaluated: 2026-05-03. Review status: criteria provided, single submitter. Criteria: ACMG Guidelines, 2015. Collection method: clinical testing. Allele origin: germline.
Comment: This variant is classified as likely benign based on ACMG/AMP sequence variant interpretation guidelines (Richards et al. 2015 PMID: 25741868, with internal and published modifications).

Blueprint Genetics
Classification: Likely benign. Last evaluated: 2024-06-06. Review status: criteria provided, single submitter. Criteria: ACMG Guidelines, 2015. Collection method: clinical testing. Allele origin: germline.

Fulgent Genetics
Classification: Uncertain significance for Nephronophthisis 4; Senior-Loken syndrome 4. Last evaluated: 2022-04-07. Review status: criteria provided, single submitter. Criteria: ACMG Guidelines, 2015. Collection method: clinical testing. Allele origin: unknown.

Labcorp Genetics (formerly Invitae), Labcorp
Classification: Uncertain significance for Nephronophthisis. Last evaluated: 2022-04-01. Review status: criteria provided, single submitter. Criteria: Invitae Variant Classification Sherloc (09022015). Collection method: clinical testing. Allele origin: germline.
Comment: This sequence change replaces alanine, which is neutral and non-polar, with proline, which is neutral and non-polar, at codon 336 of the NPHP4 protein (p.Ala336Pro). This variant is present in population databases (rs369951224, gnomAD 0.2%). This variant has not been reported in the literature in individuals affected with NPHP4-related conditions. ClinVar contains an entry for this variant (Variation ID: 593988). Algorithms developed to predict the effect of missense changes on protein structure and function (SIFT, PolyPhen-2, Align-GVGD) all suggest that this variant is likely to be tolerated. In summary, the available evidence is currently insufficient to determine the role of this variant in disease. Therefore, it has been classified as a Variant of Uncertain Significance.

Eurofins Ntd Llc (ga)
Classification: Uncertain significance. Last evaluated: 2018-05-10. Review status: criteria provided, single submitter. Criteria: EGL ClinVar v180209 classification definitions. Collection method: clinical testing. Allele origin: germline. Observed: 2 variant alleles, 2 heterozygotes.